The following is an entry in ClinVar:

ClinVar aggregate classification (germline): Uncertain significance (1 of 4 stars; one submission).

Conditions:
Dystonic disorder. Also called: Dystonia. Identifiers: MedGen C0013421, MONDO:0003441, HP:0001332.

Submission:

Labcorp Genetics (formerly Invitae), Labcorp
Classification: Uncertain significance for Dystonia. Last evaluated: 2019-12-06. Review status: criteria provided, single submitter. Criteria: Invitae Variant Classification Sherloc (09022015). Collection method: clinical testing. Allele origin: germline.
Comment: This sequence change replaces glutamic acid with lysine at codon 644 of the CIZ1 protein (p.Glu644Lys). The glutamic acid residue is highly conserved and there is a small physicochemical difference between glutamic acid and lysine. This variant is not present in population databases (ExAC no frequency). This variant has not been reported in the literature in individuals with CIZ1-related conditions. Algorithms developed to predict the effect of missense changes on protein structure and function are either unavailable or do not agree on the potential impact of this missense change (SIFT: "Deleterious"; PolyPhen-2: "Benign"; Align-GVGD: "Class C0"). In summary, the available evidence is currently insufficient to determine the role of this variant in disease. Therefore, it has been classified as a Variant of Uncertain Significance.

NM_001131016.2(CIZ1):c.1930G>A (p.Glu644Lys)

Gene: CIZ1 (CDKN1A interacting zinc finger protein 1; minus strand). Cytogenetic location: 9q34.11.
Variant type: single nucleotide variant.
Coding change: c.1930G>A on transcript NM_001131016.2 (MANE Select); coding-DNA position 1930, G replaced by A.
Protein change: p.Glu644Lys; replaces glutamic acid 644 with lysine.
Molecular consequence: missense variant.
Genome position (GRCh38, 1-based): chr9:128,176,364, C>T on the plus strand (G>A on the coding strand, the complement: CIZ1 is on the minus strand). VCF-style: chr9-128176364-C-T. GRCh37 (hg19) VCF-style: chr9-130938643-C-T.
Other names: c.1762G>A, p.Glu588Lys (NM_001131015.2); c.1747G>A, p.Glu583Lys (NM_001131017.2); c.1690G>A, p.Glu564Lys (NM_001131018.2); c.2020G>A, p.Glu674Lys (NM_001257975.2); c.1627G>A, p.Glu543Lys (NM_001257976.2); c.1930G>A, p.Glu644Lys (NM_012127.3); short protein forms E674K, E543K, E588K, E564K, E583K, E644K.
Identifiers: ClinVar variation 863324 (VCV000863324.1), dbSNP rs1830848586, ClinGen allele CA375023125.
Genomic context (GRCh38, chr9:128,176,364, plus strand): 5'-GAGACTGCCTACCCCCCAACACAGAGCTTCCACGATCCCCCACTCACTCATCCTCTGTCT[C>T]CAGGACGTCCCGGGGCACGGGCAGCAGGGACAGGAGGCAGGCTTGGCTCATGTGCTGGAT-3'
Protein context (NP_001124488.1, residues 634-654): SLLPVPRDVL[Glu644Lys]TEDEEPPPRR